The following is an entry in ClinVar:

NM_152594.3(SPRED1):c.1225_1226delinsTT (p.Ala409Phe)

Gene: SPRED1 (sprouty related EVH1 domain containing 1; plus strand). Cytogenetic location: 15q14.
Variant type: Indel.
Coding change: c.1225_1226delinsTT on transcript NM_152594.3 (MANE Select); coding-DNA positions 1225 to 1226, GC replaced by TT.
Protein change: p.Ala409Phe; replaces alanine 409 with phenylalanine.
Molecular consequence: missense variant.
Genome position (GRCh38, 1-based): chr15:38,351,554-38,351,555, GC replaced by TT. VCF-style: chr15-38351554-GC-TT. GRCh37 (hg19) VCF-style: chr15-38643755-GC-TT.
Other names: c.1225_1226delinsTT (NM_152594.2); short protein forms A409F.
Identifiers: ClinVar variation 561784 (VCV000561784.13), dbSNP rs1566877075, ClinGen allele CA658824654.

ClinVar aggregate classification (germline): Conflicting classifications of pathogenicity. Review status: criteria provided, conflicting classifications (1 of 4 stars). 4 submissions from 4 submitters: Uncertain significance (1); Likely benign (2). 1 of the submissions does not count toward it. Last evaluated 2026-01-01.

Conditions:
Noonan syndrome (NS). Also called: Noonan's syndrome. Identifiers: Orphanet 648, MedGen C0028326, MeSH D009634, MONDO:0018997. Disease mechanism: gain of function.
Legius syndrome. Identifiers: Orphanet 137605, MedGen C1969623, MONDO:0012669, OMIM 611431. Disease mechanism: loss of function.

Submissions (4):

Labcorp Genetics (formerly Invitae), Labcorp
Classification: Uncertain significance for Legius syndrome. Last evaluated: 2026-01-01. Review status: criteria provided, single submitter. Criteria: Invitae Variant Classification Sherloc (09022015). Collection method: clinical testing. Allele origin: germline.
Comment: This sequence change replaces alanine, which is neutral and non-polar, with phenylalanine, which is neutral and non-polar, at codon 409 of the SPRED1 protein (p.Ala409Phe). This variant is present in population databases (no rsID available, gnomAD 0.02%). This variant has not been reported in the literature in individuals affected with SPRED1-related conditions. ClinVar contains an entry for this variant (Variation ID: 561784). An algorithm developed to predict the effect of missense changes on protein structure and function (PolyPhen-2) suggests that this variant is likely to be disruptive. In summary, the available evidence is currently insufficient to determine the role of this variant in disease. Therefore, it has been classified as a Variant of Uncertain Significance.

Women's Health and Genetics/Laboratory Corporation of America, LabCorp
Classification: Likely benign. Last evaluated: 2025-03-31. Review status: criteria provided, single submitter. Criteria: LabCorp Variant Classification Summary - May 2015. Collection method: clinical testing. Allele origin: germline.
Comment: Variant summary: SPRED1 c.1225_1226delinsTT (p.Ala409Phe) results in a non-conservative amino acid change in the encoded protein sequence. Three of four in-silico tools predict a damaging effect of the variant on protein function. The variant allele was found at a frequency of 0.0002 in 282586 control chromosomes, predominantly at a frequency of 0.0018 within the South Asian subpopulation in the gnomAD database, including 1 homozygote. The observed variant frequency within South Asian control individuals in the gnomAD database is approximately 320-fold of the estimated maximal expected allele frequency for a pathogenic variant in SPRED1 causing Neurofibromatosis Type 1-Like Syndrome (Legius Syndrome) phenotype (5.6e-06). To our knowledge, no occurrence of c.1225_1226delinsTT in individuals affected with Neurofibromatosis Type 1-Like Syndrome (Legius Syndrome) and no experimental evidence demonstrating its impact on protein function have been reported. ClinVar contains an entry for this variant (Variation ID: 561784). Based on the evidence outlined above, the variant was classified as likely benign.

GeneDx
Classification: Likely benign. Last evaluated: 2018-04-12. Review status: criteria provided, single submitter. Criteria: GeneDx Variant Classification (06012015). Collection method: clinical testing. Allele origin: germline. Affected: yes.
Comment: This variant is considered likely benign or benign based on one or more of the following criteria: it is a conservative change, it occurs at a poorly conserved position in the protein, it is predicted to be benign by multiple in silico algorithms, and/or has population frequency not consistent with disease.

Service de Génétique Moléculaire, Hôpital Robert Debré
Classification: Uncertain significance for Noonan syndrome. Review status: no assertion criteria provided. Collection method: clinical testing. Allele origin: unknown. Affected: yes. Not counted in ClinVar's aggregate classification.